The following is an entry in ClinVar:

ClinVar aggregate classification (germline): Pathogenic/Likely pathogenic. Review status: criteria provided, multiple submitters, no conflicts (2 of 4 stars). 4 submissions from 4 submitters: Pathogenic (3); Likely pathogenic (1). Last evaluated 2026-08-01.

Conditions:
Infantile cortical hyperostosis. Also called: Caffey Disease; P1PK BLOOD GROUP SYSTEM, P(2) PHENOTYPE; Hyperostosis, Cortical, Congenital. Identifiers: Orphanet 1310, MedGen C0020497, MONDO:0007244, OMIM 114000.
Combined osteogenesis imperfecta and Ehlers-Danlos syndrome 1. Also called: OIEDS SYNDROME 1. Identifiers: MedGen C5436842, MONDO:0030854, OMIM 619115.
Osteogenesis imperfecta, perinatal lethal (OI2). Also called: OI, TYPE II; OSTEOGENESIS IMPERFECTA CONGENITA; VROLIK TYPE OF OSTEOGENESIS IMPERFECTA; Osteogenesis imperfecta type 2; OSTEOGENESIS IMPERFECTA, TYPE II; Osteogenesis imperfecta, dominant perinatal lethal. Identifiers: Orphanet 216804, MedGen C0268358, MONDO:0008147, OMIM 166210.
Osteogenesis imperfecta type III (OI3). Also called: Progressively Deforming Osteogenesis Imperfecta; Osteogenesis imperfecta type 3; OI type 3; Osteogenesis imperfecta, progressively deforming with normal sclerae; OI type III. Identifiers: Orphanet 216812, Orphanet 666, MedGen C0268362, MONDO:0009804, OMIM 259420.
Osteogenesis imperfecta type I (OI1). Also called: Osteogenesis imperfecta type 1; Lobstein's Disease; Classic Non-deforming Osteogenesis Imperfecta with Blue Sclerae; OI, TYPE I; OSTEOGENESIS IMPERFECTA TARDA; OSTEOGENESIS IMPERFECTA WITH BLUE SCLERAE. Identifiers: Orphanet 216796, Orphanet 666, MedGen C0023931, MONDO:0008146, OMIM 166200. Disease mechanism: loss of function.
Osteoporosis. Identifiers: MedGen C0029456, MONDO:0005298, OMIM 166710, HP:0000939.
Osteogenesis imperfecta with normal sclerae, dominant form (OI4). Also called: Osteogenesis imperfecta type 4; Common Variable Osteogenesis Imperfecta with Normal Sclerae; OSTEOGENESIS IMPERFECTA WITH NORMAL SCLERAE; Osteogenesis Imperfecta Type IV; OSTEOGENESIS IMPERFECTA, TYPE IV, WITH DENTINOGENESIS IMPERFECTA. Identifiers: Orphanet 216820, Orphanet 666, MedGen C0268363, MONDO:0008148, OMIM 166220.
Ehlers-Danlos syndrome, arthrochalasia type. Also called: Ehlers-Danlos syndrome, arthrochalasis type; Ehlers-Danlos syndrome, arthrochalasia type, 1; ARTHROCHALASIS MULTIPLEX CONGENITA; EDS VII, MUTANT PROCOLLAGEN TYPE; EDS VIIA. Identifiers: Orphanet 1899, Orphanet 99875, Orphanet 99876, MedGen C4551623, MONDO:0007525, OMIM 130060.

Submissions (4):

CeGaT Center for Human Genetics Tuebingen
Classification: Pathogenic. Last evaluated: 2026-08-01. Review status: criteria provided, single submitter. Criteria: CeGaT Center For Human Genetics Tuebingen Variant Classification Criteria Version 2. Collection method: clinical testing. Allele origin: germline. Affected: yes. Observed: 1 variant allele.
Comment: COL1A1: PVS1, PM2

Fulgent Genetics
Classification: Likely pathogenic for Infantile cortical hyperostosis; Ehlers-Danlos syndrome, arthrochalasia type; Osteogenesis imperfecta type I; Osteogenesis imperfecta, perinatal lethal; Osteogenesis imperfecta with normal sclerae, dominant form; Osteoporosis; Osteogenesis imperfecta type III; Combined osteogenesis imperfecta and Ehlers-Danlos syndrome 1. Last evaluated: 2022-01-14. Review status: criteria provided, single submitter. Criteria: ACMG Guidelines, 2015. Collection method: clinical testing. Allele origin: unknown.

GeneDx
Classification: Pathogenic. Last evaluated: 2021-09-07. Review status: criteria provided, single submitter. Criteria: GeneDx Variant Classification Process June 2021. Collection method: clinical testing. Allele origin: germline. Affected: yes.
Comment: Has not been previously published as pathogenic or benign to our knowledge; Not observed in large population cohorts (Lek et al., 2016); Nonsense variant predicted to result in protein truncation or nonsense mediated decay in a gene for which loss-of-function is a known mechanism of disease

Labcorp Genetics (formerly Invitae), Labcorp
Classification: Pathogenic for Osteogenesis imperfecta type I. Last evaluated: 2020-11-11. Review status: criteria provided, single submitter. Criteria: Invitae Variant Classification Sherloc (09022015). Collection method: clinical testing. Allele origin: germline.
Comment: This sequence change creates a premature translational stop signal (p.Gln393*) in the COL1A1 gene. It is expected to result in an absent or disrupted protein product. Loss-of-function variants in COL1A1 are known to be pathogenic (PMID: 7942841, 9295084, 9443882). This variant is not present in population databases (ExAC no frequency). This variant has been observed in individual(s) with clinical features of osteogenesis imperfecta (Invitae). For these reasons, this variant has been classified as Pathogenic.

Literature cited by the submitters: PubMed 7942841 (cited by Labcorp Genetics (formerly Invitae), Labcorp); PubMed 9295084 (cited by Labcorp Genetics (formerly Invitae), Labcorp); PubMed 9443882 (cited by Labcorp Genetics (formerly Invitae), Labcorp).

NM_000088.4(COL1A1):c.1177C>T (p.Gln393Ter)

Gene: COL1A1 (collagen type I alpha 1 chain; minus strand). Cytogenetic location: 17q21.33.
Variant type: single nucleotide variant.
Coding change: c.1177C>T on transcript NM_000088.4 (MANE Select); coding-DNA position 1177, C replaced by T.
Protein change: p.Gln393Ter; replaces glutamine 393 with a stop codon.
Molecular consequence: nonsense.
Genome position (GRCh38, 1-based): chr17:50,195,457, G>A on the plus strand (C>T on the coding strand, the complement: COL1A1 is on the minus strand). VCF-style: chr17-50195457-G-A. GRCh37 (hg19) VCF-style: chr17-48272818-G-A.
Other names: short protein forms Q393*.
Identifiers: ClinVar variation 1254747 (VCV001254747.12), dbSNP rs2144576822, ClinGen allele CA400219155.